The following is an entry in ClinVar:

NM_006015.6(ARID1A):c.367_381dup (p.Gly123_Gly127dup)

Gene: ARID1A (AT-rich interaction domain 1A; plus strand). Cytogenetic location: 1p36.11.
Variant type: Duplication.
Coding change: c.367_381dup on transcript NM_006015.6 (MANE Select); coding-DNA positions 367 to 381, 15 bases duplicated (GGCGGCGGTGGCGGC).
Protein change: p.Gly123_Gly127dup.
Molecular consequence: inframe insertion.
Genome position (GRCh38, 1-based): chr1:26,696,770-26,696,784, GGCGGCGGTGGCGGC duplicated; duplicating any 15 consecutive bases within chr1:26,696,766-26,696,784 gives the same sequence; the c. name uses the placement nearest the transcript's 3' end. VCF-style (leftmost placement, unchanged base first): chr1-26696765-C-CCGGCGGCGGCGGTGG. GRCh37 (hg19) VCF-style: chr1-27023256-C-CCGGCGGCGGCGGTGG.
Other names: c.367_381dup, p.Gly123_Gly127dup (NM_139135.4).
Identifiers: ClinVar variation 1350682 (VCV001350682.8), dbSNP rs1553145949, ClinGen allele CA521909994.

ClinVar aggregate classification (germline): Uncertain significance (1 of 4 stars; one submission).

Submission:

Labcorp Genetics (formerly Invitae), Labcorp
Classification: Uncertain significance. Last evaluated: 2022-12-06. Review status: criteria provided, single submitter. Criteria: Invitae Variant Classification Sherloc (09022015). Collection method: clinical testing. Allele origin: germline.
Comment: This variant, c.367_381dup, results in the insertion of 5 amino acid(s) of the ARID1A protein (p.Gly123_Gly127dup), but otherwise preserves the integrity of the reading frame. This variant is present in population databases (no rsID available, gnomAD 0.01%). This variant has not been reported in the literature in individuals affected with ARID1A-related conditions. ClinVar contains an entry for this variant (Variation ID: 1350682). Experimental studies and prediction algorithms are not available or were not evaluated, and the functional significance of this variant is currently unknown. In summary, the available evidence is currently insufficient to determine the role of this variant in disease. Therefore, it has been classified as a Variant of Uncertain Significance.